The following is an entry in ClinVar:

ClinVar aggregate classification (germline): Uncertain significance (1 of 4 stars; one submission).

Conditions:
Familial cancer of breast. Also called: BREAST CANCER, FAMILIAL; Hereditary breast cancer; hereditary breast carcinoma. Identifiers: Orphanet 227535, MedGen C0346153, MONDO:0016419, OMIM 114480. Disease mechanism: loss of function.

Submission:

Labcorp Genetics (formerly Invitae), Labcorp
Classification: Uncertain significance for Familial cancer of breast. Last evaluated: 2019-03-08. Review status: criteria provided, single submitter. Criteria: Invitae Variant Classification Sherloc (09022015). Collection method: clinical testing. Allele origin: germline.
Comment: In summary, the available evidence is currently insufficient to determine the role of this variant in disease. Therefore, it has been classified as a Variant of Uncertain Significance. This variant has not been reported in the literature in individuals with PALB2-related conditions. This variant results in a copy number gain of the genomic region encompassing exons 1-6 of the PALB2 gene. The 5' end of this event is unknown as it extends beyond the assayed region for this gene and therefore may encompass additional genes. The 3' boundary is likely confined to intron 6 of the PALB2 gene. As the precise location of this event is unknown, it may be in tandem or it may be located elsewhere in the genome.

NC_000016.10:g.(?_23629194)_(23641167_?)dup

Gene: PALB2 (partner and localizer of BRCA2; minus strand). Cytogenetic location: 16p12.2.
Variant type: Duplication.
Identifiers: ClinVar variation 831006 (VCV000831006.7).